The following is an entry in ClinVar:

NM_000202.8(IDS):c.825C>A (p.Asp275Glu)

Genes: IDS (iduronate 2-sulfatase; minus strand), LOC106050102 (IDS recombination region; plus strand). Cytogenetic location: Xq28.
Variant type: single nucleotide variant.
Coding change: c.825C>A on transcript NM_000202.8 (MANE Select); coding-DNA position 825, C replaced by A.
Protein change: p.Asp275Glu; replaces aspartic acid 275 with glutamic acid.
Molecular consequence: missense variant. On other transcripts: non-coding transcript variant (1).
Genome position (GRCh38, 1-based): chrX:149,496,400, G>T on the plus strand (C>A on the coding strand, the complement: IDS is on the minus strand). VCF-style: chrX-149496400-G-T. GRCh37 (hg19) VCF-style: chrX-148577931-G-T.
Other names: c.555C>A, p.Asp185Glu (NM_001166550.4); c.825C>A, p.Asp275Glu (NM_006123.5); short protein forms D185E, D275E.
Identifiers: ClinVar variation 3907538 (VCV003907538.1).

ClinVar aggregate classification (germline): Uncertain significance (1 of 4 stars; one submission).

Submission:

Women's Health and Genetics/Laboratory Corporation of America, LabCorp
Classification: Uncertain significance. Last evaluated: 2025-06-25. Review status: criteria provided, single submitter. Criteria: LabCorp Variant Classification Summary - May 2015. Collection method: clinical testing. Allele origin: germline.
Comment: Variant summary: IDS c.825C>A (p.Asp275Glu) results in a conservative amino acid change in the encoded protein sequence. Algorithms developed to predict the effect of missense changes on protein structure and function are either unavailable or do not agree on the potential impact of this missense change. The variant was absent in 183335 control chromosomes. The available data on variant occurrences in the general population are insufficient to allow any conclusion about variant significance. To our knowledge, no occurrence of c.825C>A in individuals affected with Mucopolysaccharidosis Type II (Hunter Syndrome) and no experimental evidence demonstrating its impact on protein function have been reported. No submitters have cited clinical-significance assessments for this variant to ClinVar. Based on the evidence outlined above, the variant was classified as uncertain significance.